The following is an entry in ClinVar:

ClinVar aggregate classification (germline): Conflicting classifications of pathogenicity. Review status: criteria provided, conflicting classifications (1 of 4 stars). 4 submissions from 4 submitters: Uncertain significance (1); Likely benign (3). Last evaluated 2026-09-08.

Conditions:
Fabry disease. Also called: Fabry's disease; ANDERSON-FABRY DISEASE; ALPHA-GALACTOSIDASE A DEFICIENCY; CERAMIDE TRIHEXOSIDASE DEFICIENCY; Ceramide trihexosidosis; Angiokeratoma corporis diffusum. Identifiers: Orphanet 324, MedGen C0002986, MONDO:0010526, OMIM 301500, HP:0001071. Disease mechanism: Fabry disease is due to inactivating mutations in the X-linked GLA gene resulting in deficiency of the enzyme Alpha Galactosidase-A., loss of function.
Cardiovascular phenotype. Identifiers: MedGen CN230736.

Allele frequency attached by ClinVar (database versions not stated): gnomAD exomes below 0.00001.
gnomAD v4.1: 1 of 1,208,053 alleles (0.000083%); highest among the groups gnomAD compares: Non-Finnish European, 0.00011%; no homozygotes.

Submissions (4):

Genomenon, Inc
Classification: Likely benign for Fabry disease. Last evaluated: 2026-09-08. Review status: criteria provided, single submitter. Criteria: Genomenon Sequence Variant Interpretation Standards - Updated. Collection method: curation. Allele origin: germline. Affected: no.
Comment: GLA c.546T>C is a synonymous variant that retains Aspartic acid at codon 182. This variant has been reported in the published literature (PMID:35578305). It is absent or not present at a significant frequency in gnomAD. This variant is not predicted to impact splicing. In conclusion, we classify GLA p.Asp182= (c.546T>C) as a likely benign variant.

Labcorp Genetics (formerly Invitae), Labcorp
Classification: Uncertain significance for Fabry disease. Last evaluated: 2025-11-18. Review status: criteria provided, single submitter. Criteria: Invitae Variant Classification Sherloc (09022015). Collection method: clinical testing. Allele origin: germline.
Comment: This sequence change affects codon 182 of the GLA mRNA. It is a 'silent' change, meaning that it does not change the encoded amino acid sequence of the GLA protein. It affects a nucleotide within the consensus splice site. This variant is not present in population databases (gnomAD no frequency). This variant has not been reported in the literature in individuals affected with GLA-related conditions. ClinVar contains an entry for this variant (Variation ID: 1413426). Algorithms developed to predict the effect of sequence changes on RNA splicing suggest that this variant is not likely to affect RNA splicing. In summary, the available evidence is currently insufficient to determine the role of this variant in disease. Therefore, it has been classified as a Variant of Uncertain Significance.

Color Diagnostics, LLC DBA Color Health
Classification: Likely benign for Fabry disease. Last evaluated: 2025-06-30. Review status: criteria provided, single submitter. Criteria: ACMG Guidelines, 2015. Collection method: clinical testing. Allele origin: germline.

Ambry Genetics
Classification: Likely benign for Cardiovascular phenotype. Last evaluated: 2025-01-06. Review status: criteria provided, single submitter. Criteria: Ambry Variant Classification Scheme 2023. Collection method: clinical testing. Allele origin: germline.

Literature cited by the submitters: PubMed 35578305 (cited by Genomenon, Inc).

NM_000169.3(GLA):c.546T>C (p.Asp182=)

Genes: GLA (galactosidase alpha; minus strand), RPL36A-HNRNPH2 (RPL36A-HNRNPH2 readthrough; plus strand). Cytogenetic location: Xq22.1.
Variant type: single nucleotide variant.
Coding change: c.546T>C on transcript NM_000169.3 (MANE Select); coding-DNA position 546, T replaced by C.
Protein change: p.Asp182=; no amino-acid change (aspartic acid 182 retained).
Molecular consequence: synonymous variant. On other transcripts: non-coding transcript variant (3), intron variant (2).
Genome position (GRCh38, 1-based): chrX:101,401,633, A>G on the plus strand (T>C on the coding strand, the complement: GLA is on the minus strand). VCF-style: chrX-101401633-A-G. GRCh37 (hg19) VCF-style: chrX-100656621-A-G.
Other names: c.669T>C, p.Asp223= (NM_001406747.1, NM_001406749.1); c.546T>C, p.Asp182= (NM_001406748.1); c.300+6176A>G (NM_001199973.2); c.177+9811A>G (NM_001199974.2).
Identifiers: ClinVar variation 1413426 (VCV001413426.11), dbSNP rs2147477318, ClinGen allele CA517521823.